The following is an entry in ClinVar:

ClinVar aggregate classification (germline): Pathogenic/Likely pathogenic. Review status: criteria provided, multiple submitters, no conflicts (2 of 4 stars). 2 submissions from 2 submitters: Pathogenic (1); Likely pathogenic (1). Last evaluated 2024-10-11.

Conditions:
Lafora disease. Also called: Epilepsy progressive myoclonic 2; Progressive Myoclonus Epilepsy, Lafora Type. Identifiers: Orphanet 501, MedGen C0751783, MONDO:0009697.

Allele frequency attached by ClinVar (database versions not stated): TOPMed below 0.00001; gnomAD 0.00001.

Submissions (2):

GeneDx
Classification: Likely pathogenic. Last evaluated: 2024-10-11. Review status: criteria provided, single submitter. Criteria: GeneDx Variant Classification Process June 2021. Collection method: clinical testing. Allele origin: germline. Affected: yes.
Comment: Not observed at significant frequency in large population cohorts (gnomAD); In silico analysis supports that this missense variant has a deleterious effect on protein structure/function; This variant is associated with the following publications: (PMID: 39385815, 27066513, 19322595, 27288810, 32301727, Baloch2023[Case Report])

Cytogénomique, Hospices Civils de Lyon
Classification: Pathogenic for Myoclonic epilepsy of Lafora 1. Last evaluated: 2018-02-15. Review status: criteria provided, single submitter. Criteria: ACMG Guidelines, 2015. Collection method: clinical testing. Allele origin: unknown. Inheritance: Autosomal recessive inheritance. Affected: yes.

Literature cited by the submitters: PubMed 19322595 (cited by Cytogénomique, Hospices Civils de Lyon).

NM_198586.3(NHLRC1):c.560A>C (p.His187Pro)

Gene: NHLRC1 (NHL repeat containing E3 ubiquitin protein ligase 1; minus strand). Cytogenetic location: 6p22.3.
Variant type: single nucleotide variant.
Coding change: c.560A>C on transcript NM_198586.3 (MANE Select); coding-DNA position 560, A replaced by C.
Protein change: p.His187Pro; replaces histidine 187 with proline.
Molecular consequence: missense variant.
Genome position (GRCh38, 1-based): chr6:18,122,047, T>G on the plus strand (A>C on the coding strand, the complement: NHLRC1 is on the minus strand). VCF-style: chr6-18122047-T-G. GRCh37 (hg19) VCF-style: chr6-18122278-T-G.
Other names: short protein forms H187P.
Identifiers: ClinVar variation 813783 (VCV000813783.2), dbSNP rs1477540228, ClinGen allele CA362827497.